The following is an entry in ClinVar:

ClinVar aggregate classification (germline): Uncertain significance (1 of 4 stars; one submission).

Submission:

Labcorp Genetics (formerly Invitae), Labcorp
Classification: Uncertain significance. Last evaluated: 2024-12-15. Review status: criteria provided, single submitter. Criteria: Invitae Variant Classification Sherloc (09022015). Collection method: clinical testing. Allele origin: germline.
Comment: This variant, c.1521_1526del, results in the deletion of 2 amino acid(s) of the TRRAP protein (p.Pro514_Pro515del), but otherwise preserves the integrity of the reading frame. This variant is not present in population databases (gnomAD no frequency). This variant has not been reported in the literature in individuals affected with TRRAP-related conditions. ClinVar contains an entry for this variant (Variation ID: 1907427). Experimental studies and prediction algorithms are not available or were not evaluated, and the functional significance of this variant is currently unknown. In summary, the available evidence is currently insufficient to determine the role of this variant in disease. Therefore, it has been classified as a Variant of Uncertain Significance.

NM_001375524.1(TRRAP):c.1521_1526del (p.Pro514_Pro515del)

Gene: TRRAP (transformation/transcription domain associated protein; plus strand). Cytogenetic location: 7q22.1.
Variant type: Deletion.
Coding change: c.1521_1526del on transcript NM_001375524.1 (MANE Select); coding-DNA positions 1521 to 1526, 6 bases deleted (TCCACC; older notation c.1521_1526delTCCACC).
Protein change: p.Pro514_Pro515del.
Molecular consequence: inframe deletion.
Genome position (GRCh38, 1-based): chr7:98,910,226-98,910,231, TCCACC deleted; deleting any 6 consecutive bases within chr7:98,910,221-98,910,231 gives the same sequence; the c. name uses the placement nearest the transcript's 3' end. VCF-style (leftmost placement, unchanged base first): chr7-98910220-CCCACCT-C. GRCh37 (hg19) VCF-style: chr7-98507843-CCCACCT-C.
Other names: c.1521_1526del, p.Pro514_Pro515del (NM_001244580.2, NM_003496.4).
Identifiers: ClinVar variation 1907427 (VCV001907427.5), dbSNP rs1797008214, ClinGen allele CA1104921993.